The following is an entry in ClinVar:

ClinVar aggregate classification (germline): Uncertain significance (1 of 4 stars; one submission).

Conditions:
Fanconi anemia complementation group E (FANCE). Also called: FANCE-Related Fanconi Anemia. Identifiers: Orphanet 84, MedGen C3160739, MONDO:0010953, OMIM 600901.

Submission:

Labcorp Genetics (formerly Invitae), Labcorp
Classification: Uncertain significance for Fanconi anemia complementation group E. Last evaluated: 2024-05-10. Review status: criteria provided, single submitter. Criteria: Invitae Variant Classification Sherloc (09022015). Collection method: clinical testing. Allele origin: germline.
Comment: This sequence change falls in intron 2 of the FANCE gene. It does not directly change the encoded amino acid sequence of the FANCE protein. It affects a nucleotide within the consensus splice site. This variant is not present in population databases (gnomAD no frequency). This variant has not been reported in the literature in individuals affected with FANCE-related conditions. Variants that disrupt the consensus splice site are a relatively common cause of aberrant splicing (PMID: 17576681, 9536098). Algorithms developed to predict the effect of sequence changes on RNA splicing suggest that this variant is not likely to affect RNA splicing. In summary, the available evidence is currently insufficient to determine the role of this variant in disease. Therefore, it has been classified as a Variant of Uncertain Significance.

Literature cited by the submitters: PubMed 17576681; PubMed 9536098.

NM_021922.3(FANCE):c.855+5T>C

Gene: FANCE (FA complementation group E; plus strand). Cytogenetic location: 6p21.31.
Variant type: single nucleotide variant.
Coding change: c.855+5T>C on transcript NM_021922.3 (MANE Select); 5 bases into the intron after coding-DNA position 855, T replaced by C.
Molecular consequence: intron variant.
Genome position (GRCh38, 1-based): chr6:35,456,358, T>C. VCF-style: chr6-35456358-T-C. GRCh37 (hg19) VCF-style: chr6-35424135-T-C.
Other names: c.855+5T>C (NM_001410876.1).
Identifiers: ClinVar variation 3652994 (VCV003652994.2).